The following is an entry in ClinVar:

ClinVar aggregate classification (germline): Likely benign (1 of 4 stars; one submission).

Submission:

GeneDx
Classification: Likely benign. Last evaluated: 2018-01-04. Review status: criteria provided, single submitter. Criteria: GeneDx Variant Classification (06012015). Collection method: clinical testing. Allele origin: germline. Affected: yes.
Comment: This variant is considered likely benign or benign based on one or more of the following criteria: it is a conservative change, it occurs at a poorly conserved position in the protein, it is predicted to be benign by multiple in silico algorithms, and/or has population frequency not consistent with disease.

NM_018993.4(RIN2):c.684G>A (p.Arg228=)

Gene: RIN2 (Ras and Rab interactor 2; plus strand). Cytogenetic location: 20p11.23.
Variant type: single nucleotide variant.
Coding change: c.684G>A on transcript NM_018993.4 (MANE Select); coding-DNA position 684, G replaced by A.
Protein change: p.Arg228=; no amino-acid change (arginine 228 retained).
Molecular consequence: synonymous variant.
Genome position (GRCh38, 1-based): chr20:19,974,709, G>A. VCF-style: chr20-19974709-G-A. GRCh37 (hg19) VCF-style: chr20-19955353-G-A.
Other names: c.831G>A, p.Arg277= (NM_001242581.2); c.66G>A, p.Arg22= (NM_001378238.1).
Identifiers: ClinVar variation 514356 (VCV000514356.1), dbSNP rs1555805028, ClinGen allele CA510156867.